The following is an entry in ClinVar:

ClinVar aggregate classification (germline): Uncertain significance. Review status: criteria provided, multiple submitters, no conflicts (2 of 4 stars). 3 submissions from 3 submitters: Uncertain significance (3). Last evaluated 2024-11-04.

Conditions:
Familial adenomatous polyposis 1 (FAP1). Also called: FAMILIAL ADENOMATOUS POLYPOSIS 1, ATTENUATED; POLYPOSIS, ADENOMATOUS INTESTINAL. Identifiers: MedGen C2713442, MONDO:0021056, OMIM 175100. Disease mechanism: loss of function.
Hereditary cancer-predisposing syndrome. Also called: Neoplastic Syndromes, Hereditary; Tumor predisposition; Hereditary Cancer Syndrome; Hereditary neoplastic syndrome. Identifiers: Orphanet 140162, MedGen C0027672, MeSH D009386, MONDO:0015356.

Allele frequency attached by ClinVar (database versions not stated): ExAC 0.00001; gnomAD exomes 0.00001.
gnomAD v4.1: 5 of 1,614,172 alleles (0.00031%); highest among the groups gnomAD compares: Non-Finnish European, 0.00042%; no homozygotes.

Submissions (3):

Color Diagnostics, LLC DBA Color Health
Classification: Uncertain significance for Hereditary cancer-predisposing syndrome. Last evaluated: 2024-11-04. Review status: criteria provided, single submitter. Criteria: ACMG Guidelines, 2015. Collection method: clinical testing. Allele origin: germline.
Comment: This missense variant replaces tyrosine with phenylalanine at codon 799 of the APC protein. Computational prediction suggests that this variant may not impact protein structure and function (internally defined REVEL score threshold <= 0.5, PMID: 27666373). To our knowledge, functional studies have not been reported for this variant. This variant has not been reported in individuals affected with APC-related disorders in the literature. This variant has not been identified in the general population by the Genome Aggregation Database (gnomAD). The available evidence is insufficient to determine the role of this variant in disease conclusively. Therefore, this variant is classified as a Variant of Uncertain Significance.

Ambry Genetics
Classification: Uncertain significance for Hereditary cancer-predisposing syndrome. Last evaluated: 2024-05-06. Review status: criteria provided, single submitter. Criteria: Ambry Variant Classification Scheme 2023. Collection method: clinical testing. Allele origin: germline.
Comment: The p.Y799F variant (also known as c.2396A>T), located in coding exon 15 of the APC gene, results from an A to T substitution at nucleotide position 2396. The tyrosine at codon 799 is replaced by phenylalanine, an amino acid with highly similar properties. Missense alterations in APC are not a common cause of disease (Spier I et al. Genet Med. 2024 Feb;26(2):100992). This amino acid position is well conserved in available vertebrate species. In addition, in silico predictors for this gene do not accurately predict pathogenicity. Based on the available evidence, the clinical significance of this variant remains unclear.

Labcorp Genetics (formerly Invitae), Labcorp
Classification: Uncertain significance for Familial adenomatous polyposis 1. Last evaluated: 2023-08-01. Review status: criteria provided, single submitter. Criteria: Invitae Variant Classification Sherloc (09022015). Collection method: clinical testing. Allele origin: germline.
Comment: ClinVar contains an entry for this variant (Variation ID: 821208). In summary, the available evidence is currently insufficient to determine the role of this variant in disease. Therefore, it has been classified as a Variant of Uncertain Significance. Advanced modeling of protein sequence and biophysical properties (such as structural, functional, and spatial information, amino acid conservation, physicochemical variation, residue mobility, and thermodynamic stability) performed at Invitae indicates that this missense variant is not expected to disrupt APC protein function. This variant has not been reported in the literature in individuals affected with APC-related conditions. This variant is not present in population databases (gnomAD no frequency). This sequence change replaces tyrosine, which is neutral and polar, with phenylalanine, which is neutral and non-polar, at codon 799 of the APC protein (p.Tyr799Phe).

NM_000038.6(APC):c.2396A>T (p.Tyr799Phe)

Gene: APC (APC regulator of Wnt signaling pathway; plus strand). Cytogenetic location: 5q22.2.
Variant type: single nucleotide variant.
Coding change: c.2396A>T on transcript NM_000038.6 (MANE Select); coding-DNA position 2396, A replaced by T.
Protein change: p.Tyr799Phe; replaces tyrosine 799 with phenylalanine.
Molecular consequence: missense variant.
Genome position (GRCh38, 1-based): chr5:112,837,990, A>T. VCF-style: chr5-112837990-A-T. GRCh37 (hg19) VCF-style: chr5-112173687-A-T.
Other names: c.2396A>T, p.Tyr799Phe (NM_001127510.3, NM_001354895.2); c.2342A>T, p.Tyr781Phe (NM_001127511.3); c.2450A>T, p.Tyr817Phe (NM_001354896.2); c.2426A>T, p.Tyr809Phe (NM_001354897.2); c.2321A>T, p.Tyr774Phe (NM_001354898.2); c.2312A>T, p.Tyr771Phe (NM_001354899.2); c.2273A>T, p.Tyr758Phe (NM_001354900.2); c.2219A>T, p.Tyr740Phe (NM_001354901.2); and 5 more; short protein forms Y639F, Y758F, Y809F, Y673F, Y799F, Y708F, Y740F, Y771F.
Identifiers: ClinVar variation 821208 (VCV000821208.17), dbSNP rs746876384, ClinGen allele CA031825.